The following is an entry in ClinVar:

NM_000465.4(BARD1):c.1295T>C (p.Leu432Pro)

Gene: BARD1 (BRCA1 associated RING domain 1; minus strand). Cytogenetic location: 2q35.
Variant type: single nucleotide variant.
Coding change: c.1295T>C on transcript NM_000465.4 (MANE Select); coding-DNA position 1295, T replaced by C.
Protein change: p.Leu432Pro; replaces leucine 432 with proline.
Molecular consequence: missense variant. On other transcripts: non-coding transcript variant (2), intron variant (3).
Genome position (GRCh38, 1-based): chr2:214,780,579, A>G on the plus strand (T>C on the coding strand, the complement: BARD1 is on the minus strand). VCF-style: chr2-214780579-A-G. GRCh37 (hg19) VCF-style: chr2-215645303-A-G.
Other names: c.1238T>C, p.Leu413Pro (NM_001282543.2); c.159-28024T>C (NM_001282548.2); c.215+16482T>C (NM_001282545.2); c.364+11718T>C (NM_001282549.2); short protein forms L432P, L413P.
Identifiers: ClinVar variation 1769199 (VCV001769199.3), dbSNP rs2469500621, ClinGen allele CA350453296.

ClinVar aggregate classification (germline): Uncertain significance. Review status: criteria provided, multiple submitters, no conflicts (2 of 4 stars). 2 submissions from 2 submitters: Uncertain significance (2). Last evaluated 2024-07-26.

Conditions:
Hereditary cancer-predisposing syndrome. Also called: Hereditary Cancer Syndrome; Hereditary neoplastic syndrome; Neoplastic Syndromes, Hereditary; Tumor predisposition. Identifiers: Orphanet 140162, MedGen C0027672, MeSH D009386, MONDO:0015356.

Allele frequency attached by ClinVar (database versions not stated): gnomAD exomes below 0.00001.
gnomAD v4.1: 1 of 1,613,940 alleles (0.000062%); highest among the groups gnomAD compares: South Asian, 0.0011%; no homozygotes.

Submissions (2):

Color Diagnostics, LLC DBA Color Health
Classification: Uncertain significance for Hereditary cancer-predisposing syndrome. Last evaluated: 2024-07-26. Review status: criteria provided, single submitter. Criteria: ACMG Guidelines, 2015. Collection method: clinical testing. Allele origin: germline.
Comment: This missense variant replaces leucine with proline at codon 432 of the BARD1 protein. Computational prediction suggests that this variant may have deleterious impact on protein structure and function (internally defined REVEL score threshold >= 0.7, PMID: 27666373). To our knowledge, functional studies have not been reported for this variant. This variant has not been reported in individuals affected with BARD1-related disorders in the literature. This variant has not been identified in the general population by the Genome Aggregation Database (gnomAD). The available evidence is insufficient to determine the role of this variant in disease conclusively. Therefore, this variant is classified as a Variant of Uncertain Significance.

Ambry Genetics
Classification: Uncertain significance for Hereditary cancer-predisposing syndrome. Last evaluated: 2022-10-11. Review status: criteria provided, single submitter. Criteria: Ambry Variant Classification Scheme 2023. Collection method: clinical testing. Allele origin: germline.
Comment: The p.L432P variant (also known as c.1295T>C), located in coding exon 4 of the BARD1 gene, results from a T to C substitution at nucleotide position 1295. The leucine at codon 432 is replaced by proline, an amino acid with similar properties. This amino acid position is conserved. In addition, this alteration is predicted to be deleterious by in silico analysis. Since supporting evidence is limited at this time, the clinical significance of this alteration remains unclear.